The following is an entry in ClinVar:

NM_000341.4(SLC3A1):c.1917dup (p.Leu640fs)

Genes: PREPL (prolyl endopeptidase like; minus strand), SLC3A1 (solute carrier family 3 member 1; plus strand). Cytogenetic location: 2p21.
Variant type: Duplication.
Coding change: c.1917dup on transcript NM_000341.4 (MANE Select); coding-DNA position 1917, one base duplicated (T; older notation c.1917dupT).
Protein change: p.Leu640fs; shifts the reading frame from leucine 640.
Molecular consequence: frameshift variant. On other transcripts: 3 prime UTR variant (10).
Genome position (GRCh38, 1-based): chr2:44,320,498, T duplicated; the last of 5 consecutive T bases (chr2:44,320,494-44,320,498); duplicating any one gives the same sequence. VCF-style (leftmost placement, unchanged base first): chr2-44320493-A-AT. GRCh37 (hg19) VCF-style: chr2-44547632-A-AT.
Other names: c.*862dup (NM_001042385.2, NM_001042386.2, NM_001171603.1 and 7 more transcripts); short protein forms L640fs.
Identifiers: ClinVar variation 5018707 (VCV005018707.2).

ClinVar aggregate classification (germline): Uncertain significance (1 of 4 stars; one submission).

Conditions:
Cystinuria (CSNU). Also called: Cystinuria, non-type I; CYSTINURIA, TYPE I; CYSTINURIA, TYPE II; CYSTINURIA, TYPE III. Identifiers: Orphanet 214, MedGen C0010691, MONDO:0009067, OMIM 220100, HP:0003131.

Submission:

Juno Genomics, Hangzhou Juno Genomics, Inc
Classification: Uncertain significance for Cystinuria. Review status: criteria provided, single submitter. Criteria: ACMG Guidelines, 2015. Collection method: clinical testing. Allele origin: germline.
Comment: Absent from controls (or at extremely low frequency if recessive) in Genome Aggregation Database.;Null variant in a gene where loss of function (LOF) is a known mechanism of disease.